The following is an entry in ClinVar:

NM_000051.3:c.8010+30insALU

Gene: ATM (ATM serine/threonine kinase; plus strand).
Variant type: Insertion.
Identifiers: ClinVar variation 1761649 (VCV001761649.2).

ClinVar aggregate classification (germline): Uncertain significance (1 of 4 stars; one submission).

Conditions:
Hereditary cancer-predisposing syndrome. Also called: Neoplastic Syndromes, Hereditary; Tumor predisposition; Hereditary Cancer Syndrome; Hereditary neoplastic syndrome. Identifiers: Orphanet 140162, MedGen C0027672, MeSH D009386, MONDO:0015356.

Submission:

Ambry Genetics
Classification: Uncertain significance for Hereditary cancer-predisposing syndrome. Last evaluated: 2022-06-29. Review status: criteria provided, single submitter. Criteria: Ambry Variant Classification Scheme 2023. Collection method: clinical testing. Allele origin: germline.
Comment: The c.8010+30insALU intronic variant, results from an insertion of an Alu element 30 nucleotides after coding exon 53 of the ATM gene. In silico splice site analysis for this alteration is unavailable and direct RNA evidence is insufficient at this time (Ambry internal data). Since supporting evidence is limited at this time, the clinical significance of this alteration remains unclear.